The following is an entry in ClinVar:

ClinVar aggregate classification (germline): Pathogenic (1 of 4 stars; one submission).

Conditions:
Neuronal ceroid lipofuscinosis 1 (CLN1). Also called: CEROID LIPOFUSCINOSIS, NEURONAL, 1, VARIABLE AGE AT ONSET; PPT1-Related Neuronal Ceroid-Lipofuscinosis. Identifiers: Orphanet 228329, MedGen C1850451, MONDO:0009744, OMIM 256730.

Submission:

Labcorp Genetics (formerly Invitae), Labcorp
Classification: Pathogenic for Neuronal ceroid lipofuscinosis 1. Last evaluated: 2023-11-27. Review status: criteria provided, single submitter. Criteria: Invitae Variant Classification Sherloc (09022015). Collection method: clinical testing. Allele origin: unknown.
Comment: This variant is a gross deletion of the genomic region encompassing exon(s) 6 of the PPT1 gene. This deletion is out-of-frame, and is expected to create a premature termination codon and result in an absent or disrupted protein product. Loss-of-function variants in PPT1 are known to be pathogenic (PMID: 10679943, 21990111). This variant has not been reported in the literature in individuals affected with PPT1-related conditions. For these reasons, this variant has been classified as Pathogenic.

Literature cited by the submitters: PubMed 10679943; PubMed 21990111.

NC_000001.10:g.(?_40546049)_(40546179_?)del

Gene: PPT1 (palmitoyl-protein thioesterase 1; minus strand). Cytogenetic location: 1p34.2.
Variant type: Deletion.
Identifiers: ClinVar variation 3247749 (VCV003247749.1).